The following is an entry in ClinVar:

NM_017849.4(TMEM127):c.700C>A (p.Pro234Thr)

Gene: TMEM127 (transmembrane protein 127; minus strand). Cytogenetic location: 2q11.2.
Variant type: single nucleotide variant.
Coding change: c.700C>A on transcript NM_017849.4 (MANE Select); coding-DNA position 700, C replaced by A.
Protein change: p.Pro234Thr; replaces proline 234 with threonine.
Molecular consequence: missense variant.
Genome position (GRCh38, 1-based): chr2:96,253,825, G>T on the plus strand (C>A on the coding strand, the complement: TMEM127 is on the minus strand). VCF-style: chr2-96253825-G-T. GRCh37 (hg19) VCF-style: chr2-96919563-G-T.
Other names: c.700C>A, p.Pro234Thr (NM_001193304.3); short protein forms P234T.
Identifiers: ClinVar variation 953758 (VCV000953758.10), dbSNP rs780992481, ClinGen allele CA1777254.

ClinVar aggregate classification (germline): Uncertain significance. Review status: criteria provided, multiple submitters, no conflicts (2 of 4 stars). 2 submissions from 2 submitters: Uncertain significance (2). Last evaluated 2024-01-28.

Conditions:
Hereditary cancer-predisposing syndrome. Also called: Hereditary neoplastic syndrome; Hereditary Cancer Syndrome; Tumor predisposition; Neoplastic Syndromes, Hereditary. Identifiers: Orphanet 140162, MedGen C0027672, MeSH D009386, MONDO:0015356.
Hereditary pheochromocytoma and paraganglioma. Also called: Hereditary pheochromocytoma-paraganglioma; Hereditary Paraganglioma-Pheochromocytoma Syndromes; Hereditary paragangliomas and pheochromocytomas. Identifiers: Orphanet 29072, MedGen C4274332, MONDO:0017366.

Allele frequency attached by ClinVar (database versions not stated): ExAC 0.00001; gnomAD exomes 0.00001 and 0.00002.
gnomAD v4.1: 6 of 1,610,818 alleles (0.00037%); highest among the groups gnomAD compares: South Asian, 0.0011%; no homozygotes.

Submissions (2):

Labcorp Genetics (formerly Invitae), Labcorp
Classification: Uncertain significance for Hereditary pheochromocytoma and paraganglioma. Last evaluated: 2024-01-28. Review status: criteria provided, single submitter. Criteria: Invitae Variant Classification Sherloc (09022015). Collection method: clinical testing. Allele origin: germline.
Comment: This sequence change replaces proline, which is neutral and non-polar, with threonine, which is neutral and polar, at codon 234 of the TMEM127 protein (p.Pro234Thr). This variant is present in population databases (rs780992481, gnomAD 0.009%). This variant has not been reported in the literature in individuals affected with TMEM127-related conditions. ClinVar contains an entry for this variant (Variation ID: 953758). An algorithm developed to predict the effect of missense changes on protein structure and function (PolyPhen-2) suggests that this variant is likely to be disruptive. In summary, the available evidence is currently insufficient to determine the role of this variant in disease. Therefore, it has been classified as a Variant of Uncertain Significance.

Ambry Genetics
Classification: Uncertain significance for Hereditary cancer-predisposing syndrome. Last evaluated: 2023-12-15. Review status: criteria provided, single submitter. Criteria: Ambry Variant Classification Scheme 2023. Collection method: clinical testing. Allele origin: germline.
Comment: The p.P234T variant (also known as c.700C>A), located in coding exon 3 of the TMEM127 gene, results from a C to A substitution at nucleotide position 700. The proline at codon 234 is replaced by threonine, an amino acid with highly similar properties. This amino acid position is conserved. In addition, this alteration is predicted to be deleterious by in silico analysis. Since supporting evidence is limited at this time, the clinical significance of this alteration remains unclear.